The following is an entry in ClinVar:

ClinVar aggregate classification (germline): Uncertain significance. Review status: criteria provided, multiple submitters, no conflicts (2 of 4 stars). 2 submissions from 2 submitters: Uncertain significance (2). Last evaluated 2023-12-19.

Allele frequency attached by ClinVar (database versions not stated): gnomAD exomes below 0.00001; TOPMed below 0.00001.
gnomAD v4.1: 1 of 1,614,184 alleles (0.000062%); highest among the groups gnomAD compares: Admixed American, 0.0017%; no homozygotes.

Submissions (2):

Blueprint Genetics
Classification: Uncertain significance. Last evaluated: 2023-12-19. Review status: criteria provided, single submitter. Criteria: ACMG Guidelines, 2015. Collection method: clinical testing. Allele origin: germline.

Labcorp Genetics (formerly Invitae), Labcorp
Classification: Uncertain significance. Last evaluated: 2023-07-26. Review status: criteria provided, single submitter. Criteria: Invitae Variant Classification Sherloc (09022015). Collection method: clinical testing. Allele origin: germline.
Comment: This sequence change falls in intron 4 of the ALPK1 gene. It does not directly change the encoded amino acid sequence of the ALPK1 protein. It affects a nucleotide within the consensus splice site. This variant is present in population databases (no rsID available, gnomAD 0.003%). This variant has not been reported in the literature in individuals affected with ALPK1-related conditions. Variants that disrupt the consensus splice site are a relatively common cause of aberrant splicing (PMID: 17576681, 9536098). Algorithms developed to predict the effect of sequence changes on RNA splicing suggest that this variant may disrupt the consensus splice site. In summary, the available evidence is currently insufficient to determine the role of this variant in disease. Therefore, it has been classified as a Variant of Uncertain Significance.

Literature cited by the submitters: PubMed 17576681 (cited by Labcorp Genetics (formerly Invitae), Labcorp); PubMed 9536098 (cited by Labcorp Genetics (formerly Invitae), Labcorp).

NM_025144.4(ALPK1):c.276+3A>G

Gene: ALPK1 (alpha kinase 1; plus strand). Cytogenetic location: 4q25.
Variant type: single nucleotide variant.
Coding change: c.276+3A>G on transcript NM_025144.4 (MANE Select); 3 bases into the intron after coding-DNA position 276, A replaced by G.
Molecular consequence: intron variant.
Genome position (GRCh38, 1-based): chr4:112,382,555, A>G. VCF-style: chr4-112382555-A-G. GRCh37 (hg19) VCF-style: chr4-113303711-A-G.
Other names: c.276+3A>G (NM_001102406.2); c.42+4657A>G (NM_001253884.2).
Identifiers: ClinVar variation 2717749 (VCV002717749.4), dbSNP rs904457280, ClinGen allele CA104424041.
Genomic context (GRCh38, chr4:112,382,555, plus strand): 5'-CCCAGAGGACAAAACAAACCTGAAGGATGTGATTGGCGCCGGGTTGCAGCAGTTACTGGT[A>G]GGAAGAGCCACACCACCTGTTCCTCTGATATCCCCAAGTGAGGCATTTAGACTCTAAGTG-3'